The following is an entry in ClinVar:

ClinVar aggregate classification (germline): Pathogenic/Likely pathogenic. Review status: criteria provided, multiple submitters, no conflicts (2 of 4 stars). 14 submissions from 14 submitters: Pathogenic (11); Likely pathogenic (1). 2 of the submissions do not count toward it. Last evaluated 2026-05-30.

Conditions:
NF1-related disorder. Also called: NF1-related condition. Identifiers: MedGen CN379171.
Hereditary cancer-predisposing syndrome. Also called: Hereditary Cancer Syndrome; Hereditary neoplastic syndrome; Neoplastic Syndromes, Hereditary; Tumor predisposition. Identifiers: Orphanet 140162, MedGen C0027672, MeSH D009386, MONDO:0015356.
Cardiovascular phenotype. Identifiers: MedGen CN230736.
Neurofibromatosis, type 1 (NF1). Also called: VON RECKLINGHAUSEN DISEASE; NEUROFIBROMATOSIS, TYPE I, SOMATIC; Peripheral type neurofibromatosis; Neurofibromatosis, type I. Identifiers: Orphanet 636, MedGen C0027831, MONDO:0018975, OMIM 162200. Disease mechanism: loss of function.
Café-au-lait macules with pulmonary stenosis (WTSN). Also called: PULMONIC STENOSIS WITH CAFE-AU-LAIT SPOTS. Identifiers: MedGen C0553586, MONDO:0008672, OMIM 193520.
Neurofibromatosis-Noonan syndrome (NFNS). Also called: NEUROFIBROMATOSIS WITH NOONAN PHENOTYPE. Identifiers: Orphanet 638, MedGen C2931482, MONDO:0011035, OMIM 601321. Disease mechanism: loss of function.
Neurofibromatosis, familial spinal (FSNF). Identifiers: Orphanet 636, MedGen C1834235, MONDO:0008078, OMIM 162210. Disease mechanism: loss of function.
Juvenile myelomonocytic leukemia (JMML). Also called: LEUKEMIA, JUVENILE MYELOMONOCYTIC, SOMATIC. Identifiers: Orphanet 86834, MedGen C0349639, MONDO:0011908, OMIM 607785, HP:0012209.

gnomAD v4.1: 5 of 1,614,086 alleles (0.00031%); highest among the groups gnomAD compares: Non-Finnish European, 0.00025%; no homozygotes.

Submissions (14):

NHS Central & South Genomic Laboratory Hub
Classification: Pathogenic for Neurofibromatosis type 1. Last evaluated: 2026-05-30. Review status: criteria provided, single submitter. Criteria: ACMG Guidelines, 2015. Collection method: clinical testing. Allele origin: germline. Affected: yes.

Labcorp Genetics (formerly Invitae), Labcorp
Classification: Pathogenic for Neurofibromatosis, type 1. Last evaluated: 2025-11-15. Review status: criteria provided, single submitter. Criteria: Invitae Variant Classification Sherloc (09022015). Collection method: clinical testing. Allele origin: germline.
Comment: This sequence change replaces arginine, which is basic and polar, with leucine, which is neutral and non-polar, at codon 1809 of the NF1 protein (p.Arg1809Leu). This variant is not present in population databases (gnomAD no frequency). This missense change has been observed in individual(s) with non-classic neurofibromatosis type 1 (NF1) (PMID: 14569132, 16944272, 25966637, 26178382). In at least one individual the variant was observed to be de novo. It has also been observed to segregate with disease in related individuals. Invitae Evidence Modeling of clinical and family history, age, sex, and reported ancestry of multiple individuals with this NF1 variant has been performed. This variant is expected to be pathogenic with a positive predictive value of at least 99%. This is a validated machine learning model that incorporates the clinical features of 1,785,918 individuals referred to our laboratory for NF1 testing. ClinVar contains an entry for this variant (Variation ID: 208854). Invitae Evidence Modeling of protein sequence and biophysical properties (such as structural, functional, and spatial information, amino acid conservation, physicochemical variation, residue mobility, and thermodynamic stability) indicates that this missense variant is expected to disrupt NF1 protein function with a positive predictive value of 95%. This variant disrupts the p.Arg1809 amino acid residue in NF1. Other variant(s) that disrupt this residue have been determined to be pathogenic (PMID: 12807981, 19120036, 24357598, 24789688, 26178382). This suggests that this residue is clinically significant, and that variants that disrupt this residue are likely to be disease-causing. For these reasons, this variant has been classified as Pathogenic.

3billion
Classification: Pathogenic for Neurofibromatosis, type 1. Last evaluated: 2025-03-26. Review status: criteria provided, single submitter. Criteria: ACMG Guidelines, 2015. Collection method: clinical testing. Allele origin: germline. Affected: yes.
Comment: The variant is observed at an extremely low frequency in the gnomAD v4.1.0 dataset (total allele frequency: <0.001%). Predicted Consequence/Location: Missense variant In silico tool predictions suggest damaging effect of the variant on gene or gene product [REVEL: 0.94 (>=0.6, sensitivity 0.68 and specificity 0.92); 3Cnet: 0.99 (> 0.75, sensitivity 0.96 and precision 0.92)]. The same nucleotide change resulting in the same amino acid change has been previously reported as pathogenic/likely pathogenic with strong evidence (ClinVar ID: VCV000208854 / PMID: 16944272). The variant has been observed in multiple (>3) similarly affected unrelated individuals (PMID: 26178382). Different missense changes at the same codon (p.Arg1830Cys, p.Arg1830Gly, p.Arg1830His, p.Arg1830Pro, p.Arg1830Ser) have been reported as pathogenic/likely pathogenic with strong evidence (ClinVar ID: VCV000208853, VCV000208855, VCV000208856, VCV000208857, VCV000404482 / PMID: 18183640, 19292874, 25966637 / 3billion dataset). Therefore, this variant is classified as Pathogenic according to the recommendation of ACMG/AMP guideline.

Blueprint Genetics
Classification: Pathogenic for NF1-related disorders. Last evaluated: 2024-11-19. Review status: criteria provided, single submitter. Criteria: ACMG Guidelines, 2015. Collection method: clinical testing. Allele origin: de novo. Affected: yes. Observed: 5 variant alleles.

Division of Genetic & Genomic Pathology, Hong Kong Children's Hospital
Classification: Pathogenic for Neurofibromatosis, type 1. Last evaluated: 2024-11-15. Review status: criteria provided, single submitter. Criteria: ACMG Guidelines, 2015. Collection method: clinical testing. Allele origin: germline. Affected: yes.
Comment: NF1 c.5426G>T p.(Arg1809Leu) is a missense variant located in exon 37. This variant is reported at a very low frequency in population databases (gnomAD v4.1.0: total 5 in 1,614,086 alleles). Missense variants affecting codon 1809, including p.Arg1809Leu, are known to be pathogenic. They are associated with multiple cafe au lait macules but absence of cutaneous neurofibromas or clinically apparent plexiform neurofibromas. Noonan-like features such as pulmonary stenosis, short stature and developmental delay / learning difficulties are relatively more common (PMID: 20301288, 26178382).

Ambry Genetics
Classification: Pathogenic for Cardiovascular phenotype; Hereditary cancer-predisposing syndrome. Last evaluated: 2024-08-26. Review status: criteria provided, single submitter. Criteria: Ambry Variant Classification Scheme 2023. Collection method: clinical testing. Allele origin: germline.
Comment: The c.5426G>T (p.R1809L) alteration is located in exon 37 (coding exon 37) of the NF1 gene. This alteration results from a G to T substitution at nucleotide position 5426, causing the arginine (R) at amino acid position 1809 to be replaced by a leucine (L). This variant was not reported in population-based cohorts in the Genome Aggregation Database (gnomAD). This variant (also known as c.5489G>T (p.R1830L)) has been detected in several individuals with suspected neurofibromatosis type 1 (NF1), some of whom did and and some of whom did not fulfill strict NIH diagnostic criteria for NF1 (Castle, 2003; Griffiths, 2007; Rojnueangnit, 2015; Santoro, 2015; Ambry internal data). In two studies, authors described a unique phenotype seen in individuals with alterations located at p.R1809 consisting of caf&eacute;-au-lait spots, skinfold freckling, Noonan-like features, and developmental delays, but not cutaneous or plexiform neurofibromas, Lisch nodules, osseous lesions, or symptomatic optic gliomas (Rojnueangnit, 2015; Shofty, 2015). This amino acid position is highly conserved in available vertebrate species. This missense alteration is located in a region that has a low rate of benign missense variation (Lek, 2016; Firth, 2009). This alteration is predicted to be deleterious by in silico analysis. Based on the available evidence, this alteration is classified as pathogenic.

Clinical Genetics Laboratory, Skane University Hospital Lund
Classification: Pathogenic. Last evaluated: 2024-03-04. Review status: criteria provided, single submitter. Criteria: ACMG Guidelines, 2015. Collection method: clinical testing. Allele origin: germline. Affected: yes.

GeneDx
Classification: Pathogenic. Last evaluated: 2023-10-26. Review status: criteria provided, single submitter. Criteria: GeneDx Variant Classification Process June 2021. Collection method: clinical testing. Allele origin: germline. Affected: yes.
Comment: In silico analysis supports that this missense variant has a deleterious effect on protein structure/function; Not observed at significant frequency in large population cohorts (gnomAD); This variant is associated with the following publications: (PMID: 24357598, 19292874, 19120036, 24789688, 12807981, 26178382, 16944272, 30530636, 14569132, 31370276, 32597815, 25966637, 25370043)

Genome-Nilou Lab
Classification: Likely pathogenic for Neurofibromatosis, type 1. Last evaluated: 2022-03-15. Review status: criteria provided, single submitter. Criteria: ACMG Guidelines, 2015. Collection method: clinical testing. Allele origin: germline. Affected: no.

Centre for Mendelian Genomics, University Medical Centre Ljubljana
Classification: Pathogenic for Neurofibromatosis, type 1. Last evaluated: 2020-01-20. Review status: criteria provided, single submitter. Criteria: ACMG Guidelines, 2015. Collection method: clinical testing. Allele origin: unknown. Affected: yes.
Comment: This variant was classified as: Pathogenic. The following ACMG criteria were applied in classifying this variant: PS1,PM1,PM2,PM5,PP2,PP3.

Fulgent Genetics
Classification: Pathogenic for Neurofibromatosis, type 1; Neurofibromatosis, familial spinal; Café-au-lait macules with pulmonary stenosis; Neurofibromatosis-Noonan syndrome; Juvenile myelomonocytic leukemia. Last evaluated: 2018-10-31. Review status: criteria provided, single submitter. Criteria: ACMG Guidelines, 2015. Collection method: clinical testing. Allele origin: unknown.

Juno Genomics, Hangzhou Juno Genomics, Inc
Classification: Pathogenic for Café-au-lait macules with pulmonary stenosis; Neurofibromatosis, type 1; Juvenile myelomonocytic leukemia; Neurofibromatosis, familial spinal; Neurofibromatosis-Noonan syndrome. Review status: criteria provided, single submitter. Criteria: ACMG Guidelines, 2015. Collection method: clinical testing. Allele origin: germline. Affected: yes.
Comment: Absent from controls (or at extremely low frequency if recessive) in Genome Aggregation Database.;Multiple lines of computational evidence support a deleterious effect on the gene or gene product.;Missense variant in a gene that has a low rate of benign missense variation.;The prevalence of the variant in affected individuals is significantly increased compared to the prevalence in controls.;Patient's phenotype or family history is highly specific for a disease with a single genetic etiology.;De novo (both maternity and paternity confirmed) in a patient with the disease and no family history.;Novel missense change at an amino acid residue where a different missense change determined to be pathogenic has been seen before.

GeneReviews
No classification provided. Condition: Neurofibromatosis, type 1. Review status: no classification provided. Collection method: literature only. Allele origin: germline. Not counted in ClinVar's aggregate classification.

UAB Medical Genomics Laboratory, UAB Medicine
Classification: Pathogenic for Neurofibromatosis, type 1. Review status: no assertion criteria provided. Collection method: clinical testing. Allele origin: unknown, de novo, germline. Affected: yes. Observed: 18 variant alleles. Not counted in ClinVar's aggregate classification.

Literature cited by the submitters: PubMed 14569132 (cited by Labcorp Genetics (formerly Invitae), Labcorp and Ambry Genetics); PubMed 16944272 (cited by 3 submitters); PubMed 25966637 (cited by Labcorp Genetics (formerly Invitae), Labcorp and Ambry Genetics); PubMed 26178382 (cited by 5 submitters); PubMed 12807981 (cited by Labcorp Genetics (formerly Invitae), Labcorp); PubMed 19120036 (cited by Labcorp Genetics (formerly Invitae), Labcorp); PubMed 24357598 (cited by Labcorp Genetics (formerly Invitae), Labcorp); PubMed 24789688 (cited by Labcorp Genetics (formerly Invitae), Labcorp); PubMed 18183640 (cited by 3billion); PubMed 20301288 (cited by Division of Genetic & Genomic Pathology, Hong Kong Children's Hospital); PubMed 26706011 (cited by Ambry Genetics); NCBI Bookshelf NBK1109 (cited by GeneReviews).

NM_001042492.3(NF1):c.5489G>T (p.Arg1830Leu)

Gene: NF1 (neurofibromin 1; plus strand). Cytogenetic location: 17q11.2.
Variant type: single nucleotide variant.
Coding change: c.5489G>T on transcript NM_001042492.3 (MANE Select); coding-DNA position 5489, G replaced by T.
Protein change: p.Arg1830Leu; replaces arginine 1830 with leucine.
Molecular consequence: missense variant.
Genome position (GRCh38, 1-based): chr17:31,327,719, G>T. VCF-style: chr17-31327719-G-T. GRCh37 (hg19) VCF-style: chr17-29654737-G-T.
Other names: c.5426G>T, p.Arg1809Leu (NM_000267.4); short protein forms R1809L, R1830L.
Identifiers: ClinVar variation 208854 (VCV000208854.33), dbSNP rs771529172, ClinGen allele CA276045.